The following is an entry in ClinVar:

NM_014938.6(MLXIP):c.178C>T (p.Pro60Ser)

Genes: MLXIP (MLX interacting protein; plus strand), LOC130009029 (ATAC-STARR-seq lymphoblastoid silent region 5009; plus strand). Cytogenetic location: 12q24.31.
Variant type: single nucleotide variant.
Coding change: c.178C>T on transcript NM_014938.6 (MANE Select); coding-DNA position 178, C replaced by T.
Protein change: p.Pro60Ser; replaces proline 60 with serine.
Molecular consequence: missense variant.
Genome position (GRCh38, 1-based): chr12:122,079,031, C>T. VCF-style: chr12-122079031-C-T. GRCh37 (hg19) VCF-style: chr12-122516937-C-T.
Other names: short protein forms P60S.
Identifiers: ClinVar variation 3211288 (VCV003211288.1), dbSNP rs2546982929, ClinGen allele CA387012189.
Genomic context (GRCh38, chr12:122,079,031, plus strand): 5'-CCGCCGCCCGCCTCCGGCGCGGCCACCCCGGCCCGGGCCCACGCGAGCGCCGCGCCACCG[C>T]CGCCTCGGGCCGGGCCGGGCCGCGAGGAACCTCCGCGCCGCCAGCAGATCATCCACAGCG-3'
Protein context (NP_055753.3, residues 50-70): ARAHASAAPP[Pro60Ser]PRAGPGREEP

ClinVar aggregate classification (germline): Uncertain significance (1 of 4 stars; one submission).

Submission:

Ambry Genetics
Classification: Uncertain significance. Last evaluated: 2023-09-26. Review status: criteria provided, single submitter. Criteria: Ambry Variant Classification Scheme 2023. Collection method: clinical testing. Allele origin: germline.
Comment: The c.178C>T (p.P60S) alteration is located in exon (coding exon ) of the MLXIP gene. This alteration results from a C to T substitution at nucleotide position 178, causing the proline (P) at amino acid position 60 to be replaced by a serine (S). Based on insufficient or conflicting evidence, the clinical significance of this alteration remains unclear.